The following is an entry in ClinVar:

ClinVar aggregate classification (germline): Uncertain significance (1 of 4 stars; one submission).

gnomAD v4.1: 1 of 1,614,074 alleles (0.000062%); highest among the groups gnomAD compares: Non-Finnish European, 0.000085%; no homozygotes.

Submission:

Ambry Genetics
Classification: Uncertain significance. Last evaluated: 2025-06-22. Review status: criteria provided, single submitter. Criteria: Ambry Variant Classification Scheme 2023. Collection method: clinical testing. Allele origin: germline.
Comment: The p.M820L variant (also known as c.2458A>T), located in coding exon 13 of the GEN1 gene, results from an A to T substitution at nucleotide position 2458. The methionine at codon 820 is replaced by leucine, an amino acid with highly similar properties. This amino acid position is conserved. In addition, this alteration is predicted to be tolerated by in silico analysis. Based on the available evidence, the clinical significance of this variant remains unclear.

NM_001130009.3(GEN1):c.2458A>T (p.Met820Leu)

Gene: GEN1 (GEN1 Holliday junction 5' flap endonuclease; plus strand). Cytogenetic location: 2p24.2.
Variant type: single nucleotide variant.
Coding change: c.2458A>T on transcript NM_001130009.3 (MANE Select); coding-DNA position 2458, A replaced by T.
Protein change: p.Met820Leu; replaces methionine 820 with leucine.
Molecular consequence: missense variant.
Genome position (GRCh38, 1-based): chr2:17,781,670, A>T. VCF-style: chr2-17781670-A-T. GRCh37 (hg19) VCF-style: chr2-17962937-A-T.
Other names: c.2458A>T, p.Met820Leu (NM_182625.5); short protein forms M820L.
Identifiers: ClinVar variation 4262989 (VCV004262989.1).